The following is an entry in ClinVar:

NM_020919.4(ALS2):c.3863C>T (p.Pro1288Leu)

Gene: ALS2 (alsin Rho guanine nucleotide exchange factor ALS2; minus strand). Cytogenetic location: 2q33.1.
Variant type: single nucleotide variant.
Coding change: c.3863C>T on transcript NM_020919.4 (MANE Select); coding-DNA position 3863, C replaced by T.
Protein change: p.Pro1288Leu; replaces proline 1288 with leucine.
Molecular consequence: missense variant.
Genome position (GRCh38, 1-based): chr2:201,715,813, G>A on the plus strand (C>T on the coding strand, the complement: ALS2 is on the minus strand). VCF-style: chr2-201715813-G-A. GRCh37 (hg19) VCF-style: chr2-202580536-G-A.
Other names: short protein forms P1288L.
Identifiers: ClinVar variation 533742 (VCV000533742.15), dbSNP rs376835062, ClinGen allele CA2057740.

ClinVar aggregate classification (germline): Uncertain significance. Review status: criteria provided, multiple submitters, no conflicts (2 of 4 stars). 6 submissions from 5 submitters: Uncertain significance (6). Last evaluated 2024-06-28.

Conditions:
ALS2-related disorder. Also called: ALS2-Related Spectrum Disorders; ALS2-related condition; ALS2-related disorders. Identifiers: MedGen CN169291.
Infantile-onset ascending hereditary spastic paralysis (IAHSP). Also called: Autosomal Recessive Juvenile Amyotrophic Lateral Sclerosis; Infantile-Onset Ascending Hereditary Spastic Paralysis (IAHSP). Identifiers: Orphanet 293168, MedGen C2931441, MONDO:0011797, OMIM 607225. Disease mechanism: loss of function.
Amyotrophic lateral sclerosis type 2, juvenile. Also called: Amyotrophic lateral sclerosis type 2; ALS, JUVENILE. Identifiers: Orphanet 300605, MedGen C1859807, MONDO:0008780, OMIM 205100.

Allele frequency attached by ClinVar (database versions not stated): gnomAD 0.00005; gnomAD exomes 0.00005 and 0.00014; TOPMed 0.00006; ExAC 0.00007; ESP Exome Variant Server 0.00025.
gnomAD v4.1: 215 of 1,613,886 alleles (0.013%); highest among the groups gnomAD compares: Non-Finnish European, 0.018%; no homozygotes.

Submissions (6):

Blueprint Genetics
Classification: Uncertain significance. Last evaluated: 2024-06-28. Review status: criteria provided, single submitter. Criteria: ACMG Guidelines, 2015. Collection method: clinical testing. Allele origin: germline.

Athena Diagnostics
Classification: Uncertain significance. Last evaluated: 2022-07-20. Review status: criteria provided, single submitter. Criteria: Athena Diagnostics Criteria. Collection method: clinical testing. Allele origin: unknown.

Labcorp Genetics (formerly Invitae), Labcorp
Classification: Uncertain significance for Infantile-onset ascending hereditary spastic paralysis. Last evaluated: 2022-07-05. Review status: criteria provided, single submitter. Criteria: Invitae Variant Classification Sherloc (09022015). Collection method: clinical testing. Allele origin: germline.
Comment: This sequence change replaces proline, which is neutral and non-polar, with leucine, which is neutral and non-polar, at codon 1288 of the ALS2 protein (p.Pro1288Leu). This variant is present in population databases (rs376835062, gnomAD 0.01%). This missense change has been observed in individual(s) with amyotrophic lateral sclerosis (PMID: 28430856). ClinVar contains an entry for this variant (Variation ID: 533742). Algorithms developed to predict the effect of missense changes on protein structure and function (SIFT, PolyPhen-2, Align-GVGD) all suggest that this variant is likely to be tolerated. In summary, the available evidence is currently insufficient to determine the role of this variant in disease. Therefore, it has been classified as a Variant of Uncertain Significance.

Women's Health and Genetics/Laboratory Corporation of America, LabCorp
Classification: Uncertain significance. Last evaluated: 2022-03-08. Review status: criteria provided, single submitter. Criteria: LabCorp Variant Classification Summary - May 2015. Collection method: clinical testing. Allele origin: germline.
Comment: Variant summary: ALS2 c.3863C>T (p.Pro1288Leu) results in a non-conservative amino acid change in the encoded protein sequence. Four of five in-silico tools predict a benign effect of the variant on protein function. The variant allele was found at a frequency of 5.2e-05 in 249236 control chromosomes (gnomAD). c.3863C>T has been reported in the literature in individuals affected with sporadic- (Kenna_2013) and familial ALS (Morgan_2017), however, the latter patient also carried a pathogenic variant in a different gene, which could explain the phenotype (Morgan_2017). To our knowledge, no experimental evidence demonstrating an impact on protein function has been reported. Two clinical diagnostic laboratories have submitted clinical-significance assessments for this variant to ClinVar after 2014, and both of them classified the variant as uncertain significance. Based on the evidence outlined above, the variant was classified as uncertain significance.

Illumina Laboratory Services, Illumina
Classification: Uncertain significance for Amyotrophic lateral sclerosis type 2. Last evaluated: 2018-01-13. Review status: criteria provided, single submitter. Criteria: ICSL Variant Classification Criteria 13 December 2019. Collection method: clinical testing. Allele origin: germline.

Illumina Laboratory Services, Illumina
Classification: Uncertain significance for ALS2-Related Disorders. Last evaluated: 2018-01-13. Review status: criteria provided, single submitter. Criteria: ICSL Variant Classification Criteria 13 December 2019. Collection method: clinical testing. Allele origin: germline.

Literature cited by the submitters: PubMed 28430856 (cited by 3 submitters); PubMed 23881933 (cited by Athena Diagnostics and Women's Health and Genetics/Laboratory Corporation of America, LabCorp); PubMed 29605155 (cited by Women's Health and Genetics/Laboratory Corporation of America, LabCorp).